The following is an entry in ClinVar:

NM_024105.4(ALG12):c.1345C>T (p.Arg449Trp)

Gene: ALG12 (ALG12 alpha-1,6-mannosyltransferase; minus strand). Cytogenetic location: 22q13.33.
Variant type: single nucleotide variant.
Coding change: c.1345C>T on transcript NM_024105.4 (MANE Select); coding-DNA position 1345, C replaced by T.
Protein change: p.Arg449Trp; replaces arginine 449 with tryptophan.
Molecular consequence: missense variant.
Genome position (GRCh38, 1-based): chr22:49,903,960, G>A on the plus strand (C>T on the coding strand, the complement: ALG12 is on the minus strand). VCF-style: chr22-49903960-G-A. GRCh37 (hg19) VCF-style: chr22-50297608-G-A.
Other names: short protein forms R449W.
Identifiers: ClinVar variation 1368352 (VCV001368352.4), dbSNP rs141814567, ClinGen allele CA10300238.

ClinVar aggregate classification (germline): Uncertain significance (1 of 4 stars; one submission).

Conditions:
ALG12-congenital disorder of glycosylation (CDG1G). Also called: CDG Ig; Congenital disorder of glycosylation, type Ig; ALG12-CDG. Identifiers: Orphanet 79324, MedGen C2931001, MONDO:0011783, OMIM 607143.

Allele frequency attached by ClinVar (database versions not stated): gnomAD exomes 0.00004 and 0.00012; ExAC 0.00018; gnomAD 0.00037 and 0.00038; ESP Exome Variant Server 0.00038; TOPMed 0.00045; 1000 Genomes Project 0.00060; 1000 Genomes Project 30x 0.00078.
gnomAD v4.1: 119 of 1,614,206 alleles (0.0074%); highest among the groups gnomAD compares: African/African-American, 0.1%; no homozygotes.

Submission:

Labcorp Genetics (formerly Invitae), Labcorp
Classification: Uncertain significance for ALG12-congenital disorder of glycosylation. Last evaluated: 2026-01-12. Review status: criteria provided, single submitter. Criteria: Invitae Variant Classification Sherloc (09022015). Collection method: clinical testing. Allele origin: germline.
Comment: This sequence change replaces arginine, which is basic and polar, with tryptophan, which is neutral and slightly polar, at codon 449 of the ALG12 protein (p.Arg449Trp). This variant is present in population databases (rs141814567, gnomAD 0.1%). This variant has not been reported in the literature in individuals affected with ALG12-related conditions. ClinVar contains an entry for this variant (Variation ID: 1368352). An algorithm developed to predict the effect of missense changes on protein structure and function outputs the following: PolyPhen-2: "Benign". The tryptophan amino acid residue is found in multiple mammalian species, which suggests that this missense change does not adversely affect protein function. In summary, the available evidence is currently insufficient to determine the role of this variant in disease. Therefore, it has been classified as a Variant of Uncertain Significance.